The following is an entry in ClinVar:

ClinVar aggregate classification (germline): Likely benign (1 of 4 stars; one submission).

Conditions:
Bethlem myopathy 1A. Also called: MYOPATHY, BENIGN CONGENITAL, WITH CONTRACTURES; Bethlem myopathy 1; Bethlem Muscular Dystrophy. Identifiers: Orphanet 610, MedGen CN029274, MONDO:0024530, OMIM 158810.

Allele frequency attached by ClinVar (database versions not stated): 1000 Genomes Project 0.00759; 1000 Genomes Project 30x 0.00859; TOPMed 0.01634; gnomAD 0.01798 and 0.01837.
gnomAD v4.1: 33,773 of 1,504,362 alleles (2.2%); highest among the groups gnomAD compares: Non-Finnish European, 2.5%; 463 homozygotes.

Submission:

Breakthrough Genomics
Classification: Likely benign. Review status: criteria provided, single submitter. Criteria: ACMG Guidelines, 2015. Collection method: not provided. Allele origin: germline. Inheritance: Autosomal recessive inheritance. Affected: yes.

NM_001849.4(COL6A2):c.*56T>G

Gene: COL6A2 (collagen type VI alpha 2 chain; plus strand). Cytogenetic location: 21q22.3.
Variant type: single nucleotide variant.
Coding change: c.*56T>G on transcript NM_001849.4 (MANE Select); 56 bases downstream of the stop codon, T replaced by G.
Molecular consequence: 3 prime UTR variant.
Genome position (GRCh38, 1-based): chr21:46,132,608, T>G. VCF-style: chr21-46132608-T-G. GRCh37 (hg19) VCF-style: chr21-47552522-T-G.
Identifiers: ClinVar variation 340392 (VCV000340392.7), dbSNP rs148337125, ClinGen allele CA10653092.